The following is an entry in ClinVar:

ClinVar aggregate classification (germline): Uncertain significance (1 of 4 stars; one submission).

Allele frequency attached by ClinVar (database versions not stated): TOPMed below 0.00001; gnomAD 0.00001.
gnomAD v4.1: 2 of 1,611,954 alleles (0.00012%); highest among the groups gnomAD compares: Non-Finnish European, 0.00017%; no homozygotes.

Submission:

Ambry Genetics
Classification: Uncertain significance. Last evaluated: 2021-07-16. Review status: criteria provided, single submitter. Criteria: Ambry Variant Classification Scheme 2023. Collection method: clinical testing. Allele origin: germline.
Comment: The p.L725Q variant (also known as c.2174T>A), located in coding exon 14 of the POLQ gene, results from a T to A substitution at nucleotide position 2174. The leucine at codon 725 is replaced by glutamine, an amino acid with dissimilar properties. This amino acid position is conserved. In addition, this alteration is predicted to be deleterious by in silico analysis. Since supporting evidence is limited at this time, the clinical significance of this alteration remains unclear.

NM_199420.4(POLQ):c.2174T>A (p.Leu725Gln)

Gene: POLQ (DNA polymerase theta; minus strand). Cytogenetic location: 3q13.33.
Variant type: single nucleotide variant.
Coding change: c.2174T>A on transcript NM_199420.4 (MANE Select); coding-DNA position 2174, T replaced by A.
Protein change: p.Leu725Gln; replaces leucine 725 with glutamine.
Molecular consequence: missense variant.
Genome position (GRCh38, 1-based): chr3:121,496,912, A>T on the plus strand (T>A on the coding strand, the complement: POLQ is on the minus strand). VCF-style: chr3-121496912-A-T. GRCh37 (hg19) VCF-style: chr3-121215759-A-T.
Other names: short protein forms L725Q.
Identifiers: ClinVar variation 1787160 (VCV001787160.2), dbSNP rs1442525117, ClinGen allele CA354109374.